The following is an entry in ClinVar:

ClinVar aggregate classification (germline): Uncertain significance. Review status: criteria provided, multiple submitters, no conflicts (2 of 4 stars). 2 submissions from 2 submitters: Uncertain significance (2). Last evaluated 2025-05-03.

Conditions:
Neuroblastoma, susceptibility to, 3. Also called: ALK-Related Neuroblastic Tumor Susceptibility. Identifiers: Orphanet 635, MedGen C2751681, MONDO:0013083, OMIM 613014.
Hereditary cancer-predisposing syndrome. Also called: Tumor predisposition; Hereditary neoplastic syndrome; Neoplastic Syndromes, Hereditary; Hereditary Cancer Syndrome. Identifiers: Orphanet 140162, MedGen C0027672, MeSH D009386, MONDO:0015356.

Submissions (2):

Ambry Genetics
Classification: Uncertain significance for Hereditary cancer-predisposing syndrome. Last evaluated: 2025-05-03. Review status: criteria provided, single submitter. Criteria: Ambry Variant Classification Scheme 2023. Collection method: clinical testing. Allele origin: germline.
Comment: The p.E1558G variant (also known as c.4673A>G), located in coding exon 29 of the ALK gene, results from an A to G substitution at nucleotide position 4673. The glutamic acid at codon 1558 is replaced by glycine, an amino acid with similar properties. This amino acid position is conserved. In addition, this alteration is predicted to be tolerated by in silico analysis. Based on the available evidence, the clinical significance of this variant remains unclear.

Labcorp Genetics (formerly Invitae), Labcorp
Classification: Uncertain significance for Neuroblastoma, susceptibility to, 3. Last evaluated: 2019-08-28. Review status: criteria provided, single submitter. Criteria: Invitae Variant Classification Sherloc (09022015). Collection method: clinical testing. Allele origin: germline.
Comment: This sequence change replaces glutamic acid with glycine at codon 1558 of the ALK protein (p.Glu1558Gly). The glutamic acid residue is highly conserved and there is a moderate physicochemical difference between glutamic acid and glycine. This variant is not present in population databases (ExAC no frequency). This variant has not been reported in the literature in individuals with ALK-related conditions. Algorithms developed to predict the effect of missense changes on protein structure and function (SIFT, PolyPhen-2, Align-GVGD) all suggest that this variant is likely to be disruptive, but these predictions have not been confirmed by published functional studies and their clinical significance is uncertain. In summary, the available evidence is currently insufficient to determine the role of this variant in disease. Therefore, it has been classified as a Variant of Uncertain Significance.

NM_004304.5(ALK):c.4673A>G (p.Glu1558Gly)

Gene: ALK (ALK receptor tyrosine kinase; minus strand). Cytogenetic location: 2p23.2.
Variant type: single nucleotide variant.
Coding change: c.4673A>G on transcript NM_004304.5 (MANE Select); coding-DNA position 4673, A replaced by G.
Protein change: p.Glu1558Gly; replaces glutamic acid 1558 with glycine.
Molecular consequence: missense variant.
Genome position (GRCh38, 1-based): chr2:29,193,414, T>C on the plus strand (A>G on the coding strand, the complement: ALK is on the minus strand). VCF-style: chr2-29193414-T-C. GRCh37 (hg19) VCF-style: chr2-29416280-T-C.
Other names: c.1469A>G, p.Glu490Gly (NM_001353765.2); short protein forms E490G, E1558G.
Identifiers: ClinVar variation 933497 (VCV000933497.10), dbSNP rs1668928402, ClinGen allele CA346460484.